The following is an entry in ClinVar:

NM_000038.6(APC):c.1409-5A>C

Gene: APC (APC regulator of Wnt signaling pathway; plus strand). Cytogenetic location: 5q22.2.
Variant type: single nucleotide variant.
Coding change: c.1409-5A>C on transcript NM_000038.6 (MANE Select); 5 bases into the intron before coding-DNA position 1409, A replaced by C.
Molecular consequence: intron variant.
Genome position (GRCh38, 1-based): chr5:112,827,103, A>C. VCF-style: chr5-112827103-A-C. GRCh37 (hg19) VCF-style: chr5-112162800-A-C.
Other names: c.1409-5A>C (NM_001354895.2, NM_001127510.3, NM_000038.5); c.1439-5A>C (NM_001354897.2); c.1136-5A>C (NM_001354902.2); c.1355-5A>C (NM_001127511.3); c.1334-5A>C (NM_001354898.2); c.1031-5A>C (NM_001354904.2); c.560-5A>C (NM_001354906.2); c.1463-5A>C (NM_001354896.2); and 5 more.
Identifiers: ClinVar variation 2131011 (VCV002131011.6), dbSNP rs768109346, ClinGen allele CA027662.
Genomic context (GRCh38, chr5:112,827,103, plus strand): 5'-CAACTTGGTACCAGTTTGTTTTATTTTAGATGATTGTCTTTTTCCTCTTGCCCTTTTTAA[A>C]TTAGGGGGACTACAGGCCATTGCAGAATTATTGCAAGTGGACTGTGAAATGTATGGGCTT-3'

ClinVar aggregate classification (germline): Conflicting classifications of pathogenicity. Review status: criteria provided, conflicting classifications (1 of 4 stars). 3 submissions from 3 submitters: Uncertain significance (1); Likely benign (2). Last evaluated 2024-05-28.

Conditions:
Hereditary cancer-predisposing syndrome. Also called: Hereditary neoplastic syndrome; Hereditary Cancer Syndrome; Tumor predisposition; Neoplastic Syndromes, Hereditary. Identifiers: Orphanet 140162, MedGen C0027672, MeSH D009386, MONDO:0015356.
Familial adenomatous polyposis 1 (FAP1). Also called: POLYPOSIS, ADENOMATOUS INTESTINAL; FAMILIAL ADENOMATOUS POLYPOSIS 1, ATTENUATED. Identifiers: MedGen C2713442, MONDO:0021056, OMIM 175100. Disease mechanism: loss of function.

Allele frequency attached by ClinVar (database versions not stated): ExAC 0.00003.
gnomAD v4.1: 3 of 1,613,318 alleles (0.00019%); highest among the groups gnomAD compares: Non-Finnish European, 0.00025%; no homozygotes.

Submissions (3):

Ambry Genetics
Classification: Uncertain significance for Hereditary cancer-predisposing syndrome. Last evaluated: 2024-05-28. Review status: criteria provided, single submitter. Criteria: Ambry Variant Classification Scheme 2023. Collection method: clinical testing. Allele origin: germline.
Comment: The c.1409-5A>C intronic variant results from an A to C substitution 5 nucleotides upstream from coding exon 11 in the APC gene. This nucleotide position is highly conserved in available vertebrate species. In silico splice site analysis predicts that this alteration will not have any significant effect on splicing. Based on the available evidence, the clinical significance of this variant remains unclear.

Myriad Genetics, Inc.
Classification: Likely benign for Familial adenomatous polyposis 1. Last evaluated: 2024-03-01. Review status: criteria provided, single submitter. Criteria: Myriad Autosomal Dominant, Autosomal Recessive and X-Linked Classification Criteria (2023). Collection method: clinical testing. Allele origin: unknown.
Comment: This variant is considered likely benign. This variant is intronic and is not expected to impact mRNA splicing.

Labcorp Genetics (formerly Invitae), Labcorp
Classification: Likely benign for Familial adenomatous polyposis 1. Last evaluated: 2022-04-28. Review status: criteria provided, single submitter. Criteria: Invitae Variant Classification Sherloc (09022015). Collection method: clinical testing. Allele origin: germline.